The following is an entry in ClinVar:

ClinVar aggregate classification (germline): Uncertain significance. Review status: criteria provided, multiple submitters, no conflicts (2 of 4 stars). 2 submissions from 2 submitters: Uncertain significance (2). Last evaluated 2025-09-19.

Conditions:
Cornelia de Lange syndrome 5 (CDLS5). Also called: HDAC8-Related Cornelia de Lange Syndrome. Identifiers: Orphanet 199, MedGen C3550903, MONDO:0010471, OMIM 300882.

Submissions (2):

GeneDx
Classification: Uncertain significance. Last evaluated: 2025-09-19. Review status: criteria provided, single submitter. Criteria: GeneDx Variant Classification Process June 2021. Collection method: clinical testing. Allele origin: germline.
Comment: Not observed at significant frequency in large population cohorts (gnomAD); In silico analysis suggests that this missense variant does not alter protein structure/function; Has not been previously published as pathogenic or benign to our knowledge

Labcorp Genetics (formerly Invitae), Labcorp
Classification: Uncertain significance for Cornelia de Lange syndrome 5. Last evaluated: 2025-06-22. Review status: criteria provided, single submitter. Criteria: Invitae Variant Classification Sherloc (09022015). Collection method: clinical testing. Allele origin: germline.
Comment: This sequence change replaces valine, which is neutral and non-polar, with leucine, which is neutral and non-polar, at codon 321 of the HDAC8 protein (p.Val321Leu). This variant is not present in population databases (gnomAD no frequency). This variant has not been reported in the literature in individuals affected with HDAC8-related conditions. ClinVar contains an entry for this variant (Variation ID: 2662335). Invitae Evidence Modeling of protein sequence and biophysical properties (such as structural, functional, and spatial information, amino acid conservation, physicochemical variation, residue mobility, and thermodynamic stability) indicates that this missense variant is not expected to disrupt HDAC8 protein function with a negative predictive value of 80%. In summary, the available evidence is currently insufficient to determine the role of this variant in disease. Therefore, it has been classified as a Variant of Uncertain Significance.

NM_018486.3(HDAC8):c.961G>C (p.Val321Leu)

Gene: HDAC8 (histone deacetylase 8; minus strand). Cytogenetic location: Xq13.1.
Variant type: single nucleotide variant.
Coding change: c.961G>C on transcript NM_018486.3 (MANE Select); coding-DNA position 961, G replaced by C.
Protein change: p.Val321Leu; replaces valine 321 with leucine.
Molecular consequence: missense variant. On other transcripts: 3 prime UTR variant (1), non-coding transcript variant (1).
Genome position (GRCh38, 1-based): chrX:72,462,048, C>G on the plus strand (G>C on the coding strand, the complement: HDAC8 is on the minus strand). VCF-style: chrX-72462048-C-G. GRCh37 (hg19) VCF-style: chrX-71681898-C-G.
Other names: c.688G>C, p.Val230Leu (NM_001166418.2, NM_001410728.1); c.961G>C, p.Val321Leu (NM_001410725.1); c.883G>C, p.Val295Leu (NM_001410727.1); c.*41G>C (NM_001410729.1); short protein forms V230L, V295L, V321L.
Identifiers: ClinVar variation 2662335 (VCV002662335.3), dbSNP rs2520355857, ClinGen allele CA413642149.
Genomic context (GRCh38, chrX:72,462,048, plus strand): 5'-TCAGAGCCTTACTTACCTCATGATCTGGGATCTCAGAGGATAGTGTTTTCCCTAGGATGA[C>G]CCCGGTCAAGTATGTCCAGCATCGAGCCGTGTTGGCAAGGTTATAGCCTCCTGTCTCCAT-3'
Protein context (NP_060956.1, residues 311-331): TARCWTYLTG[Val321Leu]ILGKTLSSEI